The following is an entry in ClinVar:

ClinVar aggregate classification (germline): Conflicting classifications of pathogenicity. Review status: criteria provided, conflicting classifications (1 of 4 stars). 4 submissions from 3 submitters: Likely pathogenic (1); Uncertain significance (2). 1 of the submissions does not count toward it. Last evaluated 2018-10-31.

Conditions:
Permanent neonatal diabetes mellitus (PNDM). Identifiers: Orphanet 99885, MedGen C1833104, MONDO:0100164, MONDO:0011643. Disease mechanism: gain of function.
Diabetes mellitus, transient neonatal, 2 (TNDM2). Identifiers: Orphanet 99886, MedGen C1835887, MONDO:0012480, OMIM 610374. Disease mechanism: loss of function.
Leucine-induced hypoglycemia (LIH). Also called: LEUCINE-SENSITIVE HYPOGLYCEMIA OF INFANCY. Identifiers: MedGen C0271714, MONDO:0009415, OMIM 240800.
Hyperinsulinemic hypoglycemia, familial, 1 (HHF1). Also called: HYPERINSULINISM, FAMILIAL, WITH PANCREATIC NESIDIOBLASTOSIS; HYPOGLYCEMIA, HYPERINSULINEMIC, OF INFANCY; Persistent hyperinsulinemic hypoglycemia of infancy; NESIDIOBLASTOSIS OF PANCREAS; Persistent Hyperinsulinemia Hypoglycemia of Infancy. Identifiers: Orphanet 276575, Orphanet 276598, MedGen C2931832, MONDO:0009734, OMIM 256450.
Type 2 diabetes mellitus. Also called: Type II diabetes mellitus. Identifiers: MedGen C0011860, MeSH D003924, MONDO:0005148, OMIM 125853, HP:0005978.
Maturity-onset diabetes of the young (MODY). Also called: Maturity onset diabetes mellitus in young. Identifiers: Orphanet 552, MedGen C0342276, MONDO:0018911, HP:0004904.
Transitory neonatal diabetes mellitus. Also called: Transient neonatal diabetes mellitus. Identifiers: MedGen C0342273, MONDO:0020525, HP:0008255.

gnomAD v4.1: 1 of 1,614,096 alleles (0.000062%); no homozygotes.

Submissions (4):

Fulgent Genetics
Classification: Likely pathogenic for Type 2 diabetes mellitus; Leucine-induced hypoglycemia; Hyperinsulinemic hypoglycemia, familial, 1; Permanent neonatal diabetes mellitus 1; Diabetes mellitus, transient neonatal, 2. Last evaluated: 2018-10-31. Review status: criteria provided, single submitter. Criteria: ACMG Guidelines, 2015. Collection method: clinical testing. Allele origin: unknown.

Clinical Genomics, Uppaluri K&H Personalized Medicine Clinic
Classification: Uncertain significance for Maturity-onset diabetes of the young. Review status: criteria provided, single submitter. Criteria: K & H Uppaluri Personalized Medicine Clinic Variant Classification & Assertion Criteria_Updated V.1. Collection method: research. Allele origin: unknown. Inheritance: Somatic mutation.
Comment: Mutations in ABCC8 gene are associated with both neonatal diabetes mellitus as well as MODY. Patients with this mutation may have a better response to sulfonylureas. However, no sufficient evidence is found to ascertain the role of this particular variant ( rs1554948310) in MODY yet.

Clinical Genomics, Uppaluri K&H Personalized Medicine Clinic
Classification: Uncertain significance for Transitory neonatal diabetes mellitus. Review status: criteria provided, single submitter. Criteria: K & H Uppaluri Personalized Medicine Clinic Variant Classification & Assertion Criteria_Updated V.1. Collection method: research. Allele origin: unknown. Inheritance: Somatic mutation.
Comment: Mutations in ABCC8 gene are associated with both neonatal diabetes mellitus as well as MODY. Patients with this mutation may have a better response to sulfonylureas. However, no sufficient evidence is found to ascertain the role of this particular variant ( rs1554948310) in neonatal diabetes yet.

Counsyl
Classification: Likely pathogenic for Hyperinsulinemic hypoglycemia, familial, 1. Last evaluated: 2017-05-31. Review status: no assertion criteria provided. Collection method: clinical testing. Allele origin: unknown. Not counted in ClinVar's aggregate classification.

Literature cited by the submitters: PubMed 16885549 (cited by Clinical Genomics, Uppaluri K&H Personalized Medicine Clinic); PubMed 21989597 (cited by Clinical Genomics, Uppaluri K&H Personalized Medicine Clinic); PubMed 27538677 (cited by Clinical Genomics, Uppaluri K&H Personalized Medicine Clinic); PubMed 18981553 (cited by Clinical Genomics, Uppaluri K&H Personalized Medicine Clinic); PubMed 32027066 (cited by Clinical Genomics, Uppaluri K&H Personalized Medicine Clinic); PubMed 16613899 (cited by Clinical Genomics, Uppaluri K&H Personalized Medicine Clinic); PubMed 18025408 (cited by Clinical Genomics, Uppaluri K&H Personalized Medicine Clinic); PubMed 32792356 (cited by Clinical Genomics, Uppaluri K&H Personalized Medicine Clinic).

NM_000352.6(ABCC8):c.290+2T>C

Gene: ABCC8 (ATP binding cassette subfamily C member 8; minus strand). Cytogenetic location: 11p15.1.
Variant type: single nucleotide variant.
Coding change: c.290+2T>C on transcript NM_000352.6 (MANE Select); the canonical splice donor site of the intron after coding-DNA position 290, T replaced by C.
Molecular consequence: splice donor variant.
Genome position (GRCh38, 1-based): chr11:17,474,884, A>G on the plus strand (T>C on the coding strand, the complement: ABCC8 is on the minus strand). VCF-style: chr11-17474884-A-G. GRCh37 (hg19) VCF-style: chr11-17496431-A-G.
Other names: c.290+2T>C (NM_001351297.2, NM_001351296.2, NM_001351295.2 and 1 more transcripts).
Identifiers: ClinVar variation 552247 (VCV000552247.5), dbSNP rs1554948310, ClinGen allele CA379786978.